The following is an entry in ClinVar:

ClinVar aggregate classification (germline): Likely benign. Review status: criteria provided, multiple submitters, no conflicts (2 of 4 stars). 2 submissions from 2 submitters: Likely benign (2). Last evaluated 2026-08-01.

Conditions:
Kabuki syndrome. Also called: NIIKAWA-KUROKI SYNDROME; Kabuki make-up syndrome. Identifiers: Orphanet 2322, MedGen C0796004, MONDO:0016512.

Allele frequency attached by ClinVar (database versions not stated): TOPMed 0.00002; gnomAD 0.00003; gnomAD exomes 0.00005; ExAC 0.00007.
gnomAD v4.1: 39 of 1,528,910 alleles (0.0026%); highest among the groups gnomAD compares: Admixed American, 0.019%; no homozygotes.

Submissions (2):

CeGaT Center for Human Genetics Tuebingen
Classification: Likely benign. Last evaluated: 2026-08-01. Review status: criteria provided, single submitter. Criteria: CeGaT Center For Human Genetics Tuebingen Variant Classification Criteria Version 2. Collection method: clinical testing. Allele origin: germline. Affected: yes. Observed: 2 variant alleles.
Comment: KMT2D: BP4, BP7

Labcorp Genetics (formerly Invitae), Labcorp
Classification: Likely benign for Kabuki syndrome. Last evaluated: 2025-09-08. Review status: criteria provided, single submitter. Criteria: Invitae Variant Classification Sherloc (09022015). Collection method: clinical testing. Allele origin: germline.

NM_003482.4(KMT2D):c.6465G>A (p.Ser2155=)

Gene: KMT2D (lysine methyltransferase 2D; minus strand). Cytogenetic location: 12q13.12.
Variant type: single nucleotide variant.
Coding change: c.6465G>A on transcript NM_003482.4 (MANE Select); coding-DNA position 6465, G replaced by A.
Protein change: p.Ser2155=; no amino-acid change (serine 2155 retained).
Molecular consequence: synonymous variant.
Genome position (GRCh38, 1-based): chr12:49,041,305, C>T on the plus strand (G>A on the coding strand, the complement: KMT2D is on the minus strand). VCF-style: chr12-49041305-C-T. GRCh37 (hg19) VCF-style: chr12-49435088-C-T.
Identifiers: ClinVar variation 702165 (VCV000702165.33), dbSNP rs771164655, ClinGen allele CA6547261.